The following is an entry in ClinVar:

NM_015702.3(MMADHC):c.284T>C (p.Val95Ala)

Gene: MMADHC (metabolism of cobalamin associated D; minus strand). Cytogenetic location: 2q23.2.
Variant type: single nucleotide variant.
Coding change: c.284T>C on transcript NM_015702.3 (MANE Select); coding-DNA position 284, T replaced by C.
Protein change: p.Val95Ala; replaces valine 95 with alanine.
Molecular consequence: missense variant.
Genome position (GRCh38, 1-based): chr2:149,579,519, A>G on the plus strand (T>C on the coding strand, the complement: MMADHC is on the minus strand). VCF-style: chr2-149579519-A-G. GRCh37 (hg19) VCF-style: chr2-150436033-A-G.
Other names: short protein forms V95A.
Identifiers: ClinVar variation 4752969 (VCV004752969.1).

ClinVar aggregate classification (germline): Uncertain significance (1 of 4 stars; one submission).

Conditions:
Methylmalonic aciduria and homocystinuria type cblD (MAHCD). Also called: METHYLMALONIC ACIDEMIA, cblH TYPE; Methylmalonic aciduria with homocystinuria cblD type. Identifiers: Orphanet 622, Orphanet 79283, MedGen C1848552, MONDO:0010185, OMIM 277410.

Submission:

Labcorp Genetics (formerly Invitae), Labcorp
Classification: Uncertain significance for Methylmalonic aciduria and homocystinuria type cblD. Last evaluated: 2025-11-02. Review status: criteria provided, single submitter. Criteria: Invitae Variant Classification Sherloc (09022015). Collection method: clinical testing. Allele origin: germline.
Comment: This sequence change replaces valine, which is neutral and non-polar, with alanine, which is neutral and non-polar, at codon 95 of the MMADHC protein (p.Val95Ala). This variant is present in population databases (no rsID available, gnomAD 0.002%). This variant has not been reported in the literature in individuals affected with MMADHC-related conditions. Invitae Evidence Modeling of protein sequence and biophysical properties (such as structural, functional, and spatial information, amino acid conservation, physicochemical variation, residue mobility, and thermodynamic stability) indicates that this missense variant is not expected to disrupt MMADHC protein function with a negative predictive value of 80%. In summary, the available evidence is currently insufficient to determine the role of this variant in disease. Therefore, it has been classified as a Variant of Uncertain Significance.